The following is an entry in ClinVar:

NM_001084.5(PLOD3):c.2061+5G>A

Gene: PLOD3 (procollagen-lysine,2-oxoglutarate 5-dioxygenase 3; minus strand). Cytogenetic location: 7q22.1.
Variant type: single nucleotide variant.
Coding change: c.2061+5G>A on transcript NM_001084.5 (MANE Select); 5 bases into the intron after coding-DNA position 2061, G replaced by A.
Molecular consequence: intron variant.
Genome position (GRCh38, 1-based): chr7:101,206,774, C>T on the plus strand (G>A on the coding strand, the complement: PLOD3 is on the minus strand). VCF-style: chr7-101206774-C-T. GRCh37 (hg19) VCF-style: chr7-100850055-C-T.
Identifiers: ClinVar variation 1436712 (VCV001436712.3), dbSNP rs767535935, ClinGen allele CA4407409.

ClinVar aggregate classification (germline): Uncertain significance (1 of 4 stars; one submission).

Allele frequency attached by ClinVar (database versions not stated): gnomAD 0.00001; gnomAD exomes 0.00001; TOPMed 0.00002.
gnomAD v4.1: 16 of 1,580,696 alleles (0.001%); highest among the groups gnomAD compares: Middle Eastern, 0.017%; no homozygotes.

Submission:

Labcorp Genetics (formerly Invitae), Labcorp
Classification: Uncertain significance. Last evaluated: 2022-05-17. Review status: criteria provided, single submitter. Criteria: Invitae Variant Classification Sherloc (09022015). Collection method: clinical testing. Allele origin: germline.
Comment: This sequence change falls in intron 18 of the PLOD3 gene. It does not directly change the encoded amino acid sequence of the PLOD3 protein. It affects a nucleotide within the consensus splice site. This variant is not present in population databases (gnomAD no frequency). This variant has not been reported in the literature in individuals affected with PLOD3-related conditions. Variants that disrupt the consensus splice site are a relatively common cause of aberrant splicing (PMID: 17576681, 9536098). Algorithms developed to predict the effect of sequence changes on RNA splicing suggest that this variant is not likely to affect RNA splicing. In summary, the available evidence is currently insufficient to determine the role of this variant in disease. Therefore, it has been classified as a Variant of Uncertain Significance.

Literature cited by the submitters: PubMed 17576681; PubMed 9536098.